The following is an entry in ClinVar:

NM_001879.6(MASP1):c.1325C>T (p.Ser442Phe)

Gene: MASP1 (MBL associated serine protease 1; minus strand). Cytogenetic location: 3q27.3.
Variant type: single nucleotide variant.
Coding change: c.1325C>T on transcript NM_001879.6 (MANE Plus Clinical); coding-DNA position 1325, C replaced by T.
Protein change: p.Ser442Phe; replaces serine 442 with phenylalanine.
Molecular consequence: missense variant.
Genome position (GRCh38, 1-based): chr3:187,229,876, G>A on the plus strand (C>T on the coding strand, the complement: MASP1 is on the minus strand). VCF-style: chr3-187229876-G-A. GRCh37 (hg19) VCF-style: chr3-186947664-G-A.
Other names: short protein forms S442F.
Identifiers: ClinVar variation 392645 (VCV000392645.3), dbSNP rs753799983, ClinGen allele CA2748952.

ClinVar aggregate classification (germline): Uncertain significance. Review status: criteria provided, multiple submitters, no conflicts (2 of 4 stars). 2 submissions from 2 submitters: Uncertain significance (2). Last evaluated 2025-11-20.

Conditions:
Inborn genetic diseases. Identifiers: MedGen C0950123, MeSH D030342.

Allele frequency attached by ClinVar (database versions not stated): gnomAD 0.00003; TOPMed 0.00001; ExAC 0.00004; gnomAD exomes 0.00005.
gnomAD v4.1: 125 of 1,614,034 alleles (0.0077%); highest among the groups gnomAD compares: Non-Finnish European, 0.0097%; no homozygotes.

Submissions (2):

Ambry Genetics
Classification: Uncertain significance for Inborn genetic diseases. Last evaluated: 2025-11-20. Review status: criteria provided, single submitter. Criteria: Ambry Variant Classification Scheme 2023. Collection method: clinical testing. Allele origin: germline.

GeneDx
Classification: Uncertain significance. Last evaluated: 2017-01-23. Review status: criteria provided, single submitter. Criteria: GeneDx Variant Classification (06012015). Collection method: clinical testing. Allele origin: germline. Affected: yes.
Comment: The S442F variant, present in an alternate transcript of the MASP1 gene, has not been reported previously as a pathogenic variant, nor as a benign variant, to our knowledge. The S442F variant was not observed in approximately 6500 individuals of European and African American ancestry in the NHLBI Exome Sequencing Project, indicating it is not a common benign variant in these populations. The S442F variant is a non-conservative amino acid substitution, which is likely to impact secondary protein structure as these residues differ in polarity, charge, size and/or other properties. This substitution occurs at a position that is not conserved for this alternate transcript. In silico analysis is inconsistent in its predictions as to whether or not the variant is damaging to the protein structure/function. We interpret S442F as a variant of uncertain significance.